The following is an entry in ClinVar:

NM_000553.6(WRN):c.2023G>C (p.Glu675Gln)

Gene: WRN (WRN RecQ like helicase; plus strand). Cytogenetic location: 8p12.
Variant type: single nucleotide variant.
Coding change: c.2023G>C on transcript NM_000553.6 (MANE Select); coding-DNA position 2023, G replaced by C.
Protein change: p.Glu675Gln; replaces glutamic acid 675 with glutamine.
Molecular consequence: missense variant.
Genome position (GRCh38, 1-based): chr8:31,100,890, G>C. VCF-style: chr8-31100890-G-C. GRCh37 (hg19) VCF-style: chr8-30958406-G-C.
Other names: short protein forms E675Q.
Identifiers: ClinVar variation 528096 (VCV000528096.11), dbSNP rs758232075, ClinGen allele CA4704599.

ClinVar aggregate classification (germline): Uncertain significance. Review status: criteria provided, multiple submitters, no conflicts (2 of 4 stars). 3 submissions from 3 submitters: Uncertain significance (3). Last evaluated 2026-02-17.

Conditions:
Inborn genetic diseases. Identifiers: MedGen C0950123, MeSH D030342.
Werner syndrome (WRN). Identifiers: Orphanet 902, MedGen C0043119, MONDO:0010196, OMIM 277700.

Allele frequency attached by ClinVar (database versions not stated): TOPMed 0.00001; gnomAD exomes 0.00002 and 0.00001; ExAC 0.00001.
gnomAD v4.1: 34 of 1,613,960 alleles (0.0021%); highest among the groups gnomAD compares: Non-Finnish European, 0.0022%; no homozygotes.

Submissions (3):

Ambry Genetics
Classification: Uncertain significance for Inborn genetic diseases. Last evaluated: 2026-02-17. Review status: criteria provided, single submitter. Criteria: Ambry Variant Classification Scheme 2023. Collection method: clinical testing. Allele origin: germline.

Labcorp Genetics (formerly Invitae), Labcorp
Classification: Uncertain significance for Werner syndrome. Last evaluated: 2025-11-03. Review status: criteria provided, single submitter. Criteria: Invitae Variant Classification Sherloc (09022015). Collection method: clinical testing. Allele origin: germline.
Comment: This sequence change replaces glutamic acid, which is acidic and polar, with glutamine, which is neutral and polar, at codon 675 of the WRN protein (p.Glu675Gln). This variant is present in population databases (rs758232075, gnomAD 0.002%). This variant has not been reported in the literature in individuals affected with WRN-related conditions. ClinVar contains an entry for this variant (Variation ID: 528096). An algorithm developed to predict the effect of missense changes on protein structure and function (PolyPhen-2) suggests that this variant is likely to be disruptive. In summary, the available evidence is currently insufficient to determine the role of this variant in disease. Therefore, it has been classified as a Variant of Uncertain Significance.

Dasa
Classification: Uncertain significance. Last evaluated: 2025-07-14. Review status: criteria provided, single submitter. Criteria: DASA Assertion Criteria. Collection method: clinical testing. Allele origin: germline.
Comment: NM_000553.6(WRN):c.2023G>C (p.Glu675Gln) is a missense variant that results in the substitution of glutamic acid with glutamine. This variant is rare in population databases. Computational prediction algorithms are consistent with a benign effect. The currently available literature and clinical evidence are not sufficient to establish a definitive association between this variant and the reported condition. Therefore, this variant is classified as a variant of uncertain significance.